The following is an entry in ClinVar:

ClinVar aggregate classification (germline): Uncertain significance. Review status: criteria provided, multiple submitters, no conflicts (2 of 4 stars). 3 submissions from 3 submitters: Uncertain significance (3). Last evaluated 2026-03-31.

Conditions:
SPTA1-related disorder. Also called: SPTA1-related disorders; SPTA1-related condition.

Submissions (3):

GeneDx
Classification: Uncertain significance. Last evaluated: 2026-03-31. Review status: criteria provided, single submitter. Criteria: GeneDx Variant Classification Process June 2021. Collection method: clinical testing. Allele origin: germline.
Comment: Not observed at significant frequency in large population cohorts (gnomAD); Frameshift variant predicted to result in abnormal protein length as the last 2 amino acid(s) are replaced with 11 different amino acid(s); Has not been previously published as pathogenic or benign to our knowledge

PreventionGenetics, part of Exact Sciences
Classification: Uncertain significance for SPTA1-related condition. Last evaluated: 2026-03-30. Review status: criteria provided, single submitter. Criteria: ACMG Guidelines, 2015. Collection method: clinical testing. Allele origin: germline.
Comment: The SPTA1 c.7252_7258del7 variant is predicted to result in a frameshift and premature protein termination (p.Gly2418Asnfs*12). To our knowledge, this variant has not been reported in the literature. This variant is reported in 0.00088% of alleles in individuals of European (Non-Finnish) descent in gnomAD. At this time, the clinical significance of this variant is uncertain due to the absence of conclusive functional and genetic evidence.

Revvity Omics, Revvity
Classification: Uncertain significance. Last evaluated: 2022-06-06. Review status: criteria provided, single submitter. Criteria: ACMG Guidelines, 2015. Collection method: clinical testing. Allele origin: germline.

NM_003126.4(SPTA1):c.7252_7258del (p.Gly2418fs)

Genes: OR10Z1 (olfactory receptor family 10 subfamily Z member 1; plus strand), SPTA1 (spectrin alpha, erythrocytic 1; minus strand). Cytogenetic location: 1q23.1.
Variant type: Deletion.
Coding change: c.7252_7258del on transcript NM_003126.4 (MANE Select); coding-DNA positions 7252 to 7258, 7 bases deleted (GGCAACT; older notation c.7252_7258delGGCAACT).
Protein change: p.Gly2418fs; shifts the reading frame from glycine 2418.
Molecular consequence: frameshift variant. On other transcripts: 3 prime UTR variant (1).
Genome position (GRCh38, 1-based): chr1:158,611,266-158,611,272, AGTTGCC deleted on the plus strand (GGCAACT on the coding strand, the reverse complement: SPTA1 is on the minus strand); deleting any 7 consecutive bases within chr1:158,611,266-158,611,273 gives the same sequence; the c. name uses the placement nearest the transcript's 3' end. VCF-style (leftmost placement, unchanged base first): chr1-158611265-TAGTTGCC-T. GRCh37 (hg19) VCF-style: chr1-158581055-TAGTTGCC-T.
Other names: c.*3887_*3893del (NM_001004478.2); c.7252_7258del (NM_003126.2); c.7252_7258del7 (NM_003126.2); short protein forms G2418fs.
Identifiers: ClinVar variation 2436357 (VCV002436357.5), dbSNP rs746931020, ClinGen allele CA1181664.